The following is an entry in ClinVar:

ClinVar aggregate classification (germline): Uncertain significance (1 of 4 stars; one submission).

Conditions:
Emery-Dreifuss muscular dystrophy (EDMD). Also called: Scapuloperoneal syndrome, X-linked (formerly); Humeroperoneal neuromuscular disease, (formerly). Identifiers: Orphanet 261, MedGen C0410189, MONDO:0016830.

Allele frequency attached by ClinVar (database versions not stated): TOPMed below 0.00001; gnomAD 0.00001.

Submission:

Labcorp Genetics (formerly Invitae), Labcorp
Classification: Uncertain significance for Emery-Dreifuss muscular dystrophy. Last evaluated: 2022-11-15. Review status: criteria provided, single submitter. Criteria: Invitae Variant Classification Sherloc (09022015). Collection method: clinical testing. Allele origin: germline.
Comment: This sequence change replaces lysine, which is basic and polar, with glutamic acid, which is acidic and polar, at codon 122 of the SUN2 protein (p.Lys122Glu). This variant is not present in population databases (gnomAD no frequency). This variant has not been reported in the literature in individuals affected with SUN2-related conditions. ClinVar contains an entry for this variant (Variation ID: 851578). Algorithms developed to predict the effect of missense changes on protein structure and function (SIFT, PolyPhen-2, Align-GVGD) all suggest that this variant is likely to be tolerated. In summary, the available evidence is currently insufficient to determine the role of this variant in disease. Therefore, it has been classified as a Variant of Uncertain Significance.

NM_015374.3(SUN2):c.364A>G (p.Lys122Glu)

Gene: SUN2 (Sad1 and UNC84 domain containing 2; minus strand). Cytogenetic location: 22q13.1.
Variant type: single nucleotide variant.
Coding change: c.364A>G on transcript NM_015374.3 (MANE Select); coding-DNA position 364, A replaced by G.
Protein change: p.Lys122Glu; replaces lysine 122 with glutamic acid.
Molecular consequence: missense variant.
Genome position (GRCh38, 1-based): chr22:38,750,958, T>C on the plus strand (A>G on the coding strand, the complement: SUN2 is on the minus strand). VCF-style: chr22-38750958-T-C. GRCh37 (hg19) VCF-style: chr22-39146963-T-C.
Other names: c.364A>G, p.Lys122Glu (NM_001199579.2, NM_001199580.2); short protein forms K122E.
Identifiers: ClinVar variation 851578 (VCV000851578.9), dbSNP rs746753110, ClinGen allele CA411586784.